The following is an entry in ClinVar:

ClinVar aggregate classification (germline): Conflicting classifications of pathogenicity. Review status: criteria provided, conflicting classifications (1 of 4 stars). 6 submissions from 6 submitters: Uncertain significance (4); Likely benign (2). Last evaluated 2026-01-26.

Conditions:
Charcot-Marie-tooth disease, axonal, type 2DD. Also called: CHARCOT-MARIE-TOOTH NEUROPATHY, TYPE 2DD. Identifiers: Orphanet 521414, MedGen C4747974, MONDO:0054833, OMIM 618036.
Hypomagnesemia, seizures, and impaired intellectual development 2. Also called: Hypomagnesemia, seizures, and intellectual disability 2. Identifiers: MedGen C5193023, MONDO:0020788, OMIM 618314.
Intellectual disability. Also called: Intellectual functioning disability; intellectual disabilities; Intellectual developmental disorder. Identifiers: MedGen C3714756, MeSH D008607, MONDO:0001071, HP:0001249.

Allele frequency attached by ClinVar (database versions not stated): gnomAD exomes 0.00004; gnomAD 0.00006; TOPMed 0.00004.
gnomAD v4.1: 59 of 1,469,950 alleles (0.004%); highest among the groups gnomAD compares: Admixed American, 0.028%; no homozygotes.

Submissions (6):

Labcorp Genetics (formerly Invitae), Labcorp
Classification: Likely benign. Last evaluated: 2026-01-26. Review status: criteria provided, single submitter. Criteria: Invitae Variant Classification Sherloc (09022015). Collection method: clinical testing. Allele origin: germline.

CeGaT Center for Human Genetics Tuebingen
Classification: Likely benign. Last evaluated: 2025-12-01. Review status: criteria provided, single submitter. Criteria: CeGaT Center For Human Genetics Tuebingen Variant Classification Criteria Version 2. Collection method: clinical testing. Allele origin: germline. Affected: yes. Observed: 1 variant allele.
Comment: ATP1A1: BP4

Blueprint Genetics
Classification: Uncertain significance. Last evaluated: 2024-09-23. Review status: criteria provided, single submitter. Criteria: ACMG Guidelines, 2015. Collection method: clinical testing. Allele origin: germline.

Fulgent Genetics
Classification: Uncertain significance for Charcot-Marie-tooth disease, axonal, type 2DD; Hypomagnesemia, seizures, and impaired intellectual development 2. Last evaluated: 2024-05-21. Review status: criteria provided, single submitter. Criteria: ACMG Guidelines, 2015. Collection method: clinical testing. Allele origin: germline.

Women's Health and Genetics/Laboratory Corporation of America, LabCorp
Classification: Uncertain significance. Last evaluated: 2022-07-21. Review status: criteria provided, single submitter. Criteria: LabCorp Variant Classification Summary - May 2015. Collection method: clinical testing. Allele origin: germline.
Comment: Variant summary: ATP1A1 c.12+3G>T alters a non-conserved nucleotide located close to a canonical splice site and therefore could affect mRNA splicing, leading to a significantly altered protein sequence. Several computational tools predict a significant impact on normal splicing: Four predict the variant weakens a 5' donor site. However, these predictions have yet to be confirmed by functional studies. The variant allele was found at a frequency of 9.6e-05 in 62190 control chromosomes (gnomAD). The available data on variant occurrences in the general population are insufficient to allow any conclusion about variant significance. To our knowledge, no occurrence of c.12+3G>T in individuals affected with Charcot-Marie Disease, Axonal, Type 2DD and no experimental evidence demonstrating its impact on protein function have been reported. No clinical diagnostic laboratories have submitted clinical-significance assessments for this variant to ClinVar after 2014. Based on the evidence outlined above, the variant was classified as uncertain significance.

Cambridge Genomics Laboratory, East Genomic Laboratory Hub, NHS Genomic Medicine Service
Classification: Uncertain significance for Intellectual disability. Last evaluated: 2020-03-20. Review status: criteria provided, single submitter. Criteria: ACGS Best Practice Guidelines for Variant Classification in Rare Disease 2020. Collection method: clinical testing. Allele origin: germline. Affected: yes. Observed: 1 variant allele.

NM_000701.8(ATP1A1):c.12+3G>T

Gene: ATP1A1 (ATPase Na+/K+ transporting subunit alpha 1; plus strand). Cytogenetic location: 1p13.1.
Variant type: single nucleotide variant.
Coding change: c.12+3G>T on transcript NM_000701.8 (MANE Select); 3 bases into the intron after coding-DNA position 12, G replaced by T.
Molecular consequence: intron variant.
Genome position (GRCh38, 1-based): chr1:116,373,526, G>T. VCF-style: chr1-116373526-G-T. GRCh37 (hg19) VCF-style: chr1-116916148-G-T.
Identifiers: ClinVar variation 1704508 (VCV001704508.14), dbSNP rs945278904, ClinGen allele CA10737499.
Genomic context (GRCh38, chr1:116,373,526, plus strand): 5'-ATTCTCCAGCGACAGGACCCGGCGCCGGGCACTGAGCACCGCCACCATGGGGAAGGGGGT[G>T]AGTGTCCGGCGCGCCCGGGGAGGGGGCTCGGGGAGCCCTCGAGGGGAAGAGGAGGAAGTC-3'